The following is an entry in ClinVar:

NM_004168.4(SDHA):c.967G>A (p.Gly323Ser)

Gene: SDHA (succinate dehydrogenase complex flavoprotein subunit A; plus strand). Cytogenetic location: 5p15.33.
Variant type: single nucleotide variant.
Coding change: c.967G>A on transcript NM_004168.4 (MANE Select); coding-DNA position 967, G replaced by A.
Protein change: p.Gly323Ser; replaces glycine 323 with serine.
Molecular consequence: missense variant.
Genome position (GRCh38, 1-based): chr5:233,548, G>A. VCF-style: chr5-233548-G-A. GRCh37 (hg19) VCF-style: chr5-233663-G-A.
Other names: c.823G>A, p.Gly275Ser (NM_001294332.2); c.967G>A, p.Gly323Ser (NM_001330758.2); short protein forms G323S, G275S.
Identifiers: ClinVar variation 539689 (VCV000539689.9), dbSNP rs1553998991, ClinGen allele CA359012713.
Genomic context (GRCh38, chr5:233,548, plus strand): 5'-GCTGGTTGTCTCATTACGGAAGGATGTCGTGGAGAGGGAGGCATTCTCATTAACAGTCAA[G>A]GCGAAAGGTTTATGGAGCGATACGCCCCTGTCGCGAAGGACCTGGCGTCTAGAGATGTGG-3'
Protein context (NP_004159.2, residues 313-333): GEGGILINSQ[Gly323Ser]ERFMERYAPV

ClinVar aggregate classification (germline): Uncertain significance (1 of 4 stars; one submission).

Conditions:
Mitochondrial complex II deficiency, nuclear type 1. Also called: SUCCINATE CoQ REDUCTASE DEFICIENCY. Identifiers: Orphanet 3208, MedGen C5700310, MONDO:0100294, OMIM 252011.
Pheochromocytoma/paraganglioma syndrome 5. Also called: Paragangliomas 5; SDHA-Related Hereditary Paraganglioma-Pheochromocytoma Syndrome. Identifiers: Orphanet 29072, MedGen C3279992, MONDO:0013602, OMIM 614165.

Submission:

Labcorp Genetics (formerly Invitae), Labcorp
Classification: Uncertain significance for Pheochromocytoma/paraganglioma syndrome 5; Mitochondrial complex II deficiency, nuclear type 1. Last evaluated: 2025-07-31. Review status: criteria provided, single submitter. Criteria: Invitae Variant Classification Sherloc (09022015). Collection method: clinical testing. Allele origin: germline.
Comment: This sequence change replaces glycine, which is neutral and non-polar, with serine, which is neutral and polar, at codon 323 of the SDHA protein (p.Gly323Ser). This variant is not present in population databases (gnomAD no frequency). This variant has not been reported in the literature in individuals affected with SDHA-related conditions. ClinVar contains an entry for this variant (Variation ID: 539689). Invitae Evidence Modeling of protein sequence and biophysical properties (such as structural, functional, and spatial information, amino acid conservation, physicochemical variation, residue mobility, and thermodynamic stability) has been performed for this missense variant. However, the output from this modeling did not meet the statistical confidence thresholds required to predict the impact of this variant on SDHA protein function. In summary, the available evidence is currently insufficient to determine the role of this variant in disease. Therefore, it has been classified as a Variant of Uncertain Significance.